The following is an entry in ClinVar:

NM_001220.5(CAMK2B):c.59T>C (p.Ile20Thr)

Gene: CAMK2B (calcium/calmodulin dependent protein kinase II beta; minus strand). Cytogenetic location: 7p13.
Variant type: single nucleotide variant.
Coding change: c.59T>C on transcript NM_001220.5 (MANE Select); coding-DNA position 59, T replaced by C.
Protein change: p.Ile20Thr; replaces isoleucine 20 with threonine.
Molecular consequence: missense variant.
Genome position (GRCh38, 1-based): chr7:44,325,363, A>G on the plus strand (T>C on the coding strand, the complement: CAMK2B is on the minus strand). VCF-style: chr7-44325363-A-G. GRCh37 (hg19) VCF-style: chr7-44364962-A-G.
Other names: c.59T>C, p.Ile20Thr (NM_001293170.2, NM_172078.3, NM_172079.3 and 5 more transcripts); short protein forms I20T.
Identifiers: ClinVar variation 3362132 (VCV003362132.2).

ClinVar aggregate classification (germline): Uncertain significance (1 of 4 stars; one submission).

Submission:

GeneDx
Classification: Uncertain significance. Last evaluated: 2026-08-24. Review status: criteria provided, single submitter. Criteria: GeneDx Variant Classification Process June 2021. Collection method: clinical testing. Allele origin: germline.
Comment: Not observed at significant frequency in large population cohorts (gnomAD); In silico analysis supports that this missense variant has a deleterious effect on protein structure/function; Has not been previously published as pathogenic or benign to our knowledge